The following is an entry in ClinVar:

ClinVar aggregate classification (germline): Uncertain significance (1 of 4 stars; one submission).

Conditions:
Familial acute necrotizing encephalopathy (IIAE3). Also called: ENCEPHALOPATHY, ACUTE, INFECTION-INDUCED, SUSCEPTIBILITY TO, 3; Susceptibility to Acute Necrotizing Encephalopathy 1. Identifiers: Orphanet 88619, MedGen C2675556, MONDO:0011953, OMIM 608033.

Allele frequency attached by ClinVar (database versions not stated): gnomAD exomes below 0.00001 and 0.00001; ExAC 0.00001; gnomAD 0.00002; TOPMed 0.00002.
gnomAD v4.1: 10 of 1,611,812 alleles (0.00062%); highest among the groups gnomAD compares: Non-Finnish European, 0.00085%; no homozygotes.

Submission:

Labcorp Genetics (formerly Invitae), Labcorp
Classification: Uncertain significance for Familial acute necrotizing encephalopathy. Last evaluated: 2024-01-21. Review status: criteria provided, single submitter. Criteria: Invitae Variant Classification Sherloc (09022015). Collection method: clinical testing. Allele origin: germline.
Comment: This sequence change replaces glutamic acid, which is acidic and polar, with lysine, which is basic and polar, at codon 665 of the RANBP2 protein (p.Glu665Lys). This variant is present in population databases (rs759073709, gnomAD 0.001%). This variant has not been reported in the literature in individuals affected with RANBP2-related conditions. ClinVar contains an entry for this variant (Variation ID: 1005561). An algorithm developed to predict the effect of missense changes on protein structure and function (PolyPhen-2) suggests that this variant is likely to be tolerated. In summary, the available evidence is currently insufficient to determine the role of this variant in disease. Therefore, it has been classified as a Variant of Uncertain Significance.

NM_006267.5(RANBP2):c.1993G>A (p.Glu665Lys)

Gene: RANBP2 (RAN binding protein 2; plus strand). Cytogenetic location: 2q13.
Variant type: single nucleotide variant.
Coding change: c.1993G>A on transcript NM_006267.5 (MANE Select); coding-DNA position 1993, G replaced by A.
Protein change: p.Glu665Lys; replaces glutamic acid 665 with lysine.
Molecular consequence: missense variant.
Genome position (GRCh38, 1-based): chr2:108,753,501, G>A. VCF-style: chr2-108753501-G-A. GRCh37 (hg19) VCF-style: chr2-109369957-G-A.
Other names: short protein forms E665K.
Identifiers: ClinVar variation 1005561 (VCV001005561.5), dbSNP rs759073709, ClinGen allele CA1822505.
Genomic context (GRCh38, chr2:108,753,501, plus strand): 5'-GAATATGAAGAAGACGCACACATAACTTTTGCTATATTGGATGCAGTAAATGGAAATATA[G>A]AAGATGCTGTGACTGCTTTTGAATCTATAAAAAGTGTTGTTTCTTATTGGAATCTTGCAC-3'
Protein context (NP_006258.3, residues 655-675): AILDAVNGNI[Glu665Lys]DAVTAFESIK